The following is an entry in ClinVar:

ClinVar aggregate classification (germline): Likely benign (1 of 4 stars; one submission).

Allele frequency attached by ClinVar (database versions not stated): 1000 Genomes Project 0.00120; 1000 Genomes Project 30x 0.00141; TOPMed 0.00352; gnomAD 0.00382; ExAC 0.00402; ESP Exome Variant Server 0.00461; gnomAD exomes 0.00501.
gnomAD v4.1: 7,794 of 1,613,064 alleles (0.48%); highest among the groups gnomAD compares: Non-Finnish European, 0.6%; 28 homozygotes.

Submission:

CeGaT Center for Human Genetics Tuebingen
Classification: Likely benign. Last evaluated: 2026-07-01. Review status: criteria provided, single submitter. Criteria: CeGaT Center For Human Genetics Tuebingen Variant Classification Criteria Version 2. Collection method: clinical testing. Allele origin: germline. Affected: yes. Observed: 4 variant alleles.
Comment: USP48: BP4, BP7, BS2

NM_032236.8(USP48):c.210T>C (p.Asn70=)

Gene: USP48 (ubiquitin specific peptidase 48; minus strand). Cytogenetic location: 1p36.12.
Variant type: single nucleotide variant.
Coding change: c.210T>C on transcript NM_032236.8 (MANE Select); coding-DNA position 210, T replaced by C.
Protein change: p.Asn70=; no amino-acid change (asparagine 70 retained).
Molecular consequence: synonymous variant.
Genome position (GRCh38, 1-based): chr1:21,757,708, A>G on the plus strand (T>C on the coding strand, the complement: USP48 is on the minus strand). VCF-style: chr1-21757708-A-G. GRCh37 (hg19) VCF-style: chr1-22084201-A-G.
Other names: c.210T>C, p.Asn70= (NM_001032730.3, NM_001330394.3, NM_001350164.2 and 3 more transcripts).
Identifiers: ClinVar variation 2638451 (VCV002638451.24), dbSNP rs150521027, ClinGen allele CA668785.